The following is an entry in ClinVar:

NM_015267.4(CUX2):c.372T>A (p.Ser124Arg)

Gene: CUX2 (cut like homeobox 2; plus strand). Cytogenetic location: 12q24.11.
Variant type: single nucleotide variant.
Coding change: c.372T>A on transcript NM_015267.4 (MANE Select); coding-DNA position 372, T replaced by A.
Protein change: p.Ser124Arg; replaces serine 124 with arginine.
Molecular consequence: missense variant.
Genome position (GRCh38, 1-based): chr12:111,291,488, T>A. VCF-style: chr12-111291488-T-A. GRCh37 (hg19) VCF-style: chr12-111729292-T-A.
Other names: c.186T>A, p.Ser62Arg (NM_001370598.1); short protein forms S62R, S124R.
Identifiers: ClinVar variation 4236255 (VCV004236255.2).

ClinVar aggregate classification (germline): Uncertain significance. Review status: criteria provided, multiple submitters, no conflicts (2 of 4 stars). 2 submissions from 2 submitters: Uncertain significance (2). Last evaluated 2026-05-21.

Conditions:
CUX2-related disorder. Also called: CUX2-related condition.
Inborn genetic diseases. Identifiers: MedGen C0950123, MeSH D030342.

gnomAD v4.1: 1 of 1,611,308 alleles (0.000062%); highest among the groups gnomAD compares: African/African-American, 0.0013%; no homozygotes.

Submissions (2):

PreventionGenetics, part of Exact Sciences
Classification: Uncertain significance for CUX2-related condition. Last evaluated: 2026-05-21. Review status: criteria provided, single submitter. Criteria: ACMG Guidelines, 2015. Collection method: clinical testing. Allele origin: germline.
Comment: The CUX2 c.372T>A variant is predicted to result in the amino acid substitution p.Ser124Arg. To our knowledge, this variant has not been reported in the literature or in a large population database (gnomAD), indicating this variant is rare. At this time, the clinical significance of this variant is uncertain due to the absence of conclusive functional and genetic evidence.

Ambry Genetics
Classification: Uncertain significance for Inborn genetic diseases. Last evaluated: 2025-07-31. Review status: criteria provided, single submitter. Criteria: Ambry Variant Classification Scheme 2023. Collection method: clinical testing. Allele origin: germline.